The following is an entry in ClinVar:

ClinVar aggregate classification (germline): Uncertain significance (1 of 4 stars; one submission).

Allele frequency attached by ClinVar (database versions not stated): gnomAD 0.00002 and 0.00003; TOPMed 0.00002.
gnomAD v4.1: 7 of 1,209,658 alleles (0.00058%); highest among the groups gnomAD compares: Admixed American, 0.0022%; no homozygotes.

Submission:

Labcorp Genetics (formerly Invitae), Labcorp
Classification: Uncertain significance. Last evaluated: 2022-08-23. Review status: criteria provided, single submitter. Criteria: Invitae Variant Classification Sherloc (09022015). Collection method: clinical testing. Allele origin: germline.
Comment: This sequence change affects codon 160 of the HSD17B10 mRNA. It is a 'silent' change, meaning that it does not change the encoded amino acid sequence of the HSD17B10 protein. This variant is present in population databases (no rsID available, gnomAD 0.004%). This variant has not been reported in the literature in individuals affected with HSD17B10-related conditions. ClinVar contains an entry for this variant (Variation ID: 1418424). Algorithms developed to predict the effect of sequence changes on RNA splicing suggest that this variant may disrupt the consensus splice site. In summary, the available evidence is currently insufficient to determine the role of this variant in disease. Therefore, it has been classified as a Variant of Uncertain Significance.

NM_004493.3(HSD17B10):c.480G>A (p.Glu160=)

Gene: HSD17B10 (hydroxysteroid 17-beta dehydrogenase 10; minus strand). Cytogenetic location: Xp11.22.
Variant type: single nucleotide variant.
Coding change: c.480G>A on transcript NM_004493.3 (MANE Select); coding-DNA position 480, G replaced by A.
Protein change: p.Glu160=; no amino-acid change (glutamic acid 160 retained).
Molecular consequence: synonymous variant.
Genome position (GRCh38, 1-based): chrX:53,431,994, C>T on the plus strand (G>A on the coding strand, the complement: HSD17B10 is on the minus strand). VCF-style: chrX-53431994-C-T. GRCh37 (hg19) VCF-style: chrX-53458942-C-T.
Other names: c.480G>A, p.Glu160= (NM_001037811.2).
Identifiers: ClinVar variation 1418424 (VCV001418424.5), dbSNP rs1161789651, ClinGen allele CA516675097.